The following is an entry in ClinVar:

ClinVar aggregate classification (germline): Uncertain significance (1 of 4 stars; one submission).

Submission:

Ambry Genetics
Classification: Uncertain significance. Last evaluated: 2023-10-20. Review status: criteria provided, single submitter. Criteria: Ambry Variant Classification Scheme 2023. Collection method: clinical testing. Allele origin: germline.
Comment: The p.T407S variant (also known as c.1220C>G), located in coding exon 5 of the EGLN2 gene, results from a C to G substitution at nucleotide position 1220. The threonine at codon 407 is replaced by serine, an amino acid with similar properties. This amino acid position is conserved. In addition, this alteration is predicted to be tolerated by in silico analysis. Since supporting evidence is limited at this time, the clinical significance of this alteration remains unclear.

NM_080732.4(EGLN2):c.1220C>G (p.Thr407Ser)

Genes: EGLN2 (egl-9 family hypoxia inducible factor 2; plus strand), RAB4B-EGLN2 (RAB4B-EGLN2 readthrough (NMD candidate); plus strand). Cytogenetic location: 19q13.2.
Variant type: single nucleotide variant.
Coding change: c.1220C>G on transcript NM_080732.4 (MANE Select); coding-DNA position 1220, C replaced by G.
Protein change: p.Thr407Ser; replaces threonine 407 with serine.
Molecular consequence: missense variant. On other transcripts: non-coding transcript variant (1).
Genome position (GRCh38, 1-based): chr19:40,807,860, C>G. VCF-style: chr19-40807860-C-G. GRCh37 (hg19) VCF-style: chr19-41313765-C-G.
Other names: c.1220C>G, p.Thr407Ser (NM_053046.4); short protein forms T407S.
Identifiers: ClinVar variation 3228982 (VCV003228982.1), dbSNP rs2516010816, ClinGen allele CA405956964.
Genomic context (GRCh38, chr19:40,807,860, plus strand): 5'-CACCCCCAGCATCAGGACAGAAAGGTGTCCAAGTACCTGTATCACAGCCGCCTACGCCCA[C>G]CTAGTGGCCAGTCCCAGAGCCGCATGGCAGACAGCTTAAATGACTTCAGGAGAGCCCTGG-3'
Protein context (NP_542770.2, residues 397-407): QVPVSQPPTP[Thr407Ser]